The following is an entry in ClinVar:

ClinVar aggregate classification (germline): Uncertain significance (1 of 4 stars; one submission).

gnomAD v4.1: 3 of 1,613,780 alleles (0.00019%); highest among the groups gnomAD compares: Admixed American, 0.005%; no homozygotes.

Submission:

Labcorp Genetics (formerly Invitae), Labcorp
Classification: Uncertain significance. Last evaluated: 2025-08-26. Review status: criteria provided, single submitter. Criteria: Invitae Variant Classification Sherloc (09022015). Collection method: clinical testing. Allele origin: germline.
Comment: This sequence change replaces methionine, which is neutral and non-polar, with threonine, which is neutral and polar, at codon 617 of the PDE2A protein (p.Met617Thr). This variant is not present in population databases (gnomAD no frequency). This variant has not been reported in the literature in individuals affected with PDE2A-related conditions. An algorithm developed to predict the effect of missense changes on protein structure and function (PolyPhen-2) suggests that this variant is likely to be tolerated. In summary, the available evidence is currently insufficient to determine the role of this variant in disease. Therefore, it has been classified as a Variant of Uncertain Significance.

NM_002599.5(PDE2A):c.1850T>C (p.Met617Thr)

Gene: PDE2A (phosphodiesterase 2A; minus strand). Cytogenetic location: 11q13.4.
Variant type: single nucleotide variant.
Coding change: c.1850T>C on transcript NM_002599.5 (MANE Select); coding-DNA position 1850, T replaced by C.
Protein change: p.Met617Thr; replaces methionine 617 with threonine.
Molecular consequence: missense variant.
Genome position (GRCh38, 1-based): chr11:72,582,445, A>G on the plus strand (T>C on the coding strand, the complement: PDE2A is on the minus strand). VCF-style: chr11-72582445-A-G. GRCh37 (hg19) VCF-style: chr11-72293489-A-G.
Other names: c.1829T>C, p.Met610Thr (NM_001143839.4); c.1823T>C, p.Met608Thr (NM_001146209.3); c.1787T>C, p.Met596Thr (NM_001243784.2); short protein forms M610T, M596T, M608T, M617T.
Identifiers: ClinVar variation 4696680 (VCV004696680.1).